The following is an entry in ClinVar:

NM_004544.4(NDUFA10):c.870T>C (p.Thr290=)

Gene: NDUFA10 (NADH:ubiquinone oxidoreductase subunit A10; minus strand). Cytogenetic location: 2q37.3.
Variant type: single nucleotide variant.
Coding change: c.870T>C on transcript NM_004544.4 (MANE Select); coding-DNA position 870, T replaced by C.
Protein change: p.Thr290=; no amino-acid change (threonine 290 retained).
Molecular consequence: synonymous variant. On other transcripts: non-coding transcript variant (4).
Genome position (GRCh38, 1-based): chr2:240,005,230, A>G on the plus strand (T>C on the coding strand, the complement: NDUFA10 is on the minus strand). VCF-style: chr2-240005230-A-G. GRCh37 (hg19) VCF-style: chr2-240944647-A-G.
Other names: c.870T>C, p.Thr290= (NM_001322019.2, NM_001322020.2).
Identifiers: ClinVar variation 508527 (VCV000508527.1), dbSNP rs765127812, ClinGen allele CA2200825.

ClinVar aggregate classification (germline): Likely benign (1 of 4 stars; one submission).

Allele frequency attached by ClinVar (database versions not stated): gnomAD 0.00001; TOPMed 0.00001; gnomAD exomes 0.00002 and 0.00005; ExAC 0.00005.
gnomAD v4.1: 67 of 1,613,994 alleles (0.0042%); highest among the groups gnomAD compares: Non-Finnish European, 0.0057%; no homozygotes.

Submission:

GeneDx
Classification: Likely benign. Last evaluated: 2017-04-20. Review status: criteria provided, single submitter. Criteria: GeneDx Variant Classification (06012015). Collection method: clinical testing. Allele origin: germline. Affected: yes.
Comment: This variant is considered likely benign or benign based on one or more of the following criteria: it is a conservative change, it occurs at a poorly conserved position in the protein, it is predicted to be benign by multiple in silico algorithms, and/or has population frequency not consistent with disease.